The following is an entry in ClinVar:

NM_017780.4(CHD7):c.6361_6363dup (p.Glu2121_Leu2122insGlu)

Gene: CHD7 (chromodomain helicase DNA binding protein 7; plus strand). Cytogenetic location: 8q12.2.
Variant type: Duplication.
Coding change: c.6361_6363dup on transcript NM_017780.4 (MANE Select); coding-DNA positions 6361 to 6363, 3 bases duplicated (GAG; older notation c.6361_6363dupGAG).
Protein change: p.Glu2121_Leu2122insGlu.
Molecular consequence: intron variant (on NM_001316690.1).
Genome position (GRCh38, 1-based): chr8:60,853,086-60,853,088, GAG duplicated. VCF-style (leftmost placement, unchanged base first): chr8-60853085-T-TGAG. GRCh37 (hg19) VCF-style: chr8-61765644-T-TGAG.
Other names: c.1717-9143_1717-9141dup (NM_001316690.1).
Identifiers: ClinVar variation 3671579 (VCV003671579.2).

ClinVar aggregate classification (germline): Uncertain significance (1 of 4 stars; one submission).

Conditions:
CHARGE syndrome (CHARGE). Also called: Hittner Hirsch Kreh syndrome; CHARGE ASSOCIATION--COLOBOMA, HEART ANOMALY, CHOANAL ATRESIA, RETARDATION, GENITAL AND EAR ANOMALIES; Coloboma, heart anomaly, choanal atresia, retardation, genital and ear anomalies; CHARGE association; Hall-Hittner syndrome. Identifiers: Orphanet 138, MedGen C0265354, MONDO:0008965.

Submission:

Labcorp Genetics (formerly Invitae), Labcorp
Classification: Uncertain significance for CHARGE syndrome. Last evaluated: 2024-04-07. Review status: criteria provided, single submitter. Criteria: Invitae Variant Classification Sherloc (09022015). Collection method: clinical testing. Allele origin: germline.
Comment: This variant, c.6361_6363dup, results in the insertion of 1 amino acid(s) of the CHD7 protein (p.Glu2121dup), but otherwise preserves the integrity of the reading frame. This variant is not present in population databases (gnomAD no frequency). This variant has not been reported in the literature in individuals affected with CHD7-related conditions. In summary, the available evidence is currently insufficient to determine the role of this variant in disease. Therefore, it has been classified as a Variant of Uncertain Significance.